The following is an entry in ClinVar:

ClinVar aggregate classification (germline): Uncertain significance (1 of 4 stars; one submission).

Conditions:
Inborn genetic diseases. Identifiers: MedGen C0950123, MeSH D030342.

gnomAD v4.1: 1 of 1,613,912 alleles (0.000062%); highest among the groups gnomAD compares: African/African-American, 0.0013%; no homozygotes.

Submission:

Ambry Genetics
Classification: Uncertain significance for Inborn genetic diseases. Last evaluated: 2026-02-25. Review status: criteria provided, single submitter. Criteria: Ambry Variant Classification Scheme 2023. Collection method: clinical testing. Allele origin: germline.
Comment: The p.S494C variant (also known as c.1480A>T), located in coding exon 1 of the SAMD9L gene, results from an A to T substitution at nucleotide position 1480. The serine at codon 494 is replaced by cysteine, an amino acid with dissimilar properties. This amino acid position is conserved. In addition, this alteration is predicted to be tolerated by in silico analysis. Based on the available evidence, the clinical significance of this variant remains unclear.

NM_152703.5(SAMD9L):c.1480A>T (p.Ser494Cys)

Gene: SAMD9L (sterile alpha motif domain containing 9 like; minus strand). Cytogenetic location: 7q21.2.
Variant type: single nucleotide variant.
Coding change: c.1480A>T on transcript NM_152703.5 (MANE Select); coding-DNA position 1480, A replaced by T.
Protein change: p.Ser494Cys; replaces serine 494 with cysteine.
Molecular consequence: missense variant.
Genome position (GRCh38, 1-based): chr7:93,134,492, T>A on the plus strand (A>T on the coding strand, the complement: SAMD9L is on the minus strand). VCF-style: chr7-93134492-T-A. GRCh37 (hg19) VCF-style: chr7-92763805-T-A.
Other names: c.1480A>T, p.Ser494Cys (NM_001303496.3, NM_001303497.3, NM_001303498.3 and 5 more transcripts); short protein forms S494C.
Identifiers: ClinVar variation 4826175 (VCV004826175.1).